The following is an entry in ClinVar:

NM_032776.3(JMJD1C):c.1202T>G (p.Leu401Trp)

Gene: JMJD1C (jumonji domain containing 1C; minus strand). Cytogenetic location: 10q21.3.
Variant type: single nucleotide variant.
Coding change: c.1202T>G on transcript NM_032776.3 (MANE Select); coding-DNA position 1202, T replaced by G.
Protein change: p.Leu401Trp; replaces leucine 401 with tryptophan.
Molecular consequence: missense variant. On other transcripts: non-coding transcript variant (1).
Genome position (GRCh38, 1-based): chr10:63,214,965, A>C on the plus strand (T>G on the coding strand, the complement: JMJD1C is on the minus strand). VCF-style: chr10-63214965-A-C. GRCh37 (hg19) VCF-style: chr10-64974725-A-C.
Other names: c.656T>G, p.Leu219Trp (NM_001282948.2, NM_001318154.2); c.338T>G, p.Leu113Trp (NM_001318153.2); c.1088T>G, p.Leu363Trp (NM_001322252.2); c.545T>G, p.Leu182Trp (NM_001322254.2, NM_001322258.2); short protein forms L113W, L182W, L219W, L363W, L401W.
Identifiers: ClinVar variation 4695984 (VCV004695984.1).

ClinVar aggregate classification (germline): Uncertain significance (1 of 4 stars; one submission).

Conditions:
Early Myoclonic Encephalopathy. Identifiers: MedGen C0270855.

Submission:

Labcorp Genetics (formerly Invitae), Labcorp
Classification: Uncertain significance for Early Myoclonic Encephalopathy. Last evaluated: 2025-01-27. Review status: criteria provided, single submitter. Criteria: Invitae Variant Classification Sherloc (09022015). Collection method: clinical testing. Allele origin: germline.
Comment: This sequence change replaces leucine, which is neutral and non-polar, with tryptophan, which is neutral and slightly polar, at codon 401 of the JMJD1C protein (p.Leu401Trp). This variant is not present in population databases (gnomAD no frequency). This variant has not been reported in the literature in individuals affected with JMJD1C-related conditions. Invitae Evidence Modeling of protein sequence and biophysical properties (such as structural, functional, and spatial information, amino acid conservation, physicochemical variation, residue mobility, and thermodynamic stability) indicates that this missense variant is expected to disrupt JMJD1C protein function with a positive predictive value of 80%. In summary, the available evidence is currently insufficient to determine the role of this variant in disease. Therefore, it has been classified as a Variant of Uncertain Significance.